The following is an entry in ClinVar:

NM_017763.6(RNF43):c.774G>A (p.Glu258=)

Gene: RNF43 (ring finger protein 43; minus strand). Cytogenetic location: 17q22.
Variant type: single nucleotide variant.
Coding change: c.774G>A on transcript NM_017763.6 (MANE Select); coding-DNA position 774, G replaced by A.
Protein change: p.Glu258=; no amino-acid change (glutamic acid 258 retained).
Molecular consequence: synonymous variant.
Genome position (GRCh38, 1-based): chr17:58,360,858, C>T on the plus strand (G>A on the coding strand, the complement: RNF43 is on the minus strand). VCF-style: chr17-58360858-C-T. GRCh37 (hg19) VCF-style: chr17-56438219-C-T.
Other names: c.774G>A, p.Glu258= (NM_001305544.3); c.393G>A, p.Glu131= (NM_001305545.2).
Identifiers: ClinVar variation 2908193 (VCV002908193.5), dbSNP rs754869199, ClinGen allele CA501055408.

ClinVar aggregate classification (germline): Conflicting classifications of pathogenicity. Review status: criteria provided, conflicting classifications (1 of 4 stars). 3 submissions from 3 submitters: Uncertain significance (1); Benign (1); Likely benign (1). Last evaluated 2026-06-30.

Conditions:
Sessile serrated polyposis cancer syndrome (SSPCS). Identifiers: Orphanet 157798, MedGen C4310714, MONDO:0014919, OMIM 617108.

Allele frequency attached by ClinVar (database versions not stated): gnomAD exomes below 0.00001; gnomAD 0.00001; TOPMed 0.00001.
gnomAD v4.1: 2 of 1,613,002 alleles (0.00012%); highest among the groups gnomAD compares: Admixed American, 0.0017%; no homozygotes.

Submissions (3):

Myriad Genetics, Inc.
Classification: Benign for Sessile serrated polyposis cancer syndrome. Last evaluated: 2026-06-30. Review status: criteria provided, single submitter. Criteria: Myriad Autosomal Dominant, Autosomal Recessive and X-Linked Classification Criteria (2023). Collection method: clinical testing. Allele origin: unknown.
Comment: This variant is considered benign. This variant is a silent/synonymous amino acid change and it is not expected to impact splicing.

Ambry Genetics
Classification: Likely benign. Last evaluated: 2024-10-02. Review status: criteria provided, single submitter. Criteria: Ambry Variant Classification Scheme 2023. Collection method: clinical testing. Allele origin: germline.

Labcorp Genetics (formerly Invitae), Labcorp
Classification: Uncertain significance. Last evaluated: 2023-09-03. Review status: criteria provided, single submitter. Criteria: Invitae Variant Classification Sherloc (09022015). Collection method: clinical testing. Allele origin: germline.
Comment: This sequence change affects codon 258 of the RNF43 mRNA. It is a 'silent' change, meaning that it does not change the encoded amino acid sequence of the RNF43 protein. This variant is not present in population databases (gnomAD no frequency). This variant has not been reported in the literature in individuals affected with RNF43-related conditions. Algorithms developed to predict the effect of sequence changes on RNA splicing suggest that this variant may disrupt the consensus splice site. In summary, the available evidence is currently insufficient to determine the role of this variant in disease. Therefore, it has been classified as a Variant of Uncertain Significance.